The following is an entry in ClinVar:

NM_001276345.2(TNNT2):c.349G>A (p.Glu117Lys)

Gene: TNNT2 (troponin T2, cardiac type; minus strand). Cytogenetic location: 1q32.1.
Variant type: single nucleotide variant.
Coding change: c.349G>A on transcript NM_001276345.2 (MANE Select); coding-DNA position 349, G replaced by A.
Protein change: p.Glu117Lys; replaces glutamic acid 117 with lysine.
Molecular consequence: missense variant. On other transcripts: intron variant (1).
Genome position (GRCh38, 1-based): chr1:201,365,253, C>T on the plus strand (G>A on the coding strand, the complement: TNNT2 is on the minus strand). VCF-style: chr1-201365253-C-T. GRCh37 (hg19) VCF-style: chr1-201334381-C-T.
Other names: p.E107K:GAG>AAG; c.349G>A, p.Glu117Lys (NM_000364.4); c.319G>A, p.Glu107Lys (NM_001001430.3, NM_001001431.3, NM_001276347.2); c.304G>A, p.Glu102Lys (NM_001001432.3); c.291+357G>A (NM_001276346.2); short protein forms E107K, E117K, E102K.
Identifiers: ClinVar variation 181614 (VCV000181614.18), dbSNP rs730881099, ClinGen allele CA004361.

ClinVar aggregate classification (germline): Uncertain significance. Review status: criteria provided, multiple submitters, no conflicts (2 of 4 stars). 7 submissions from 5 submitters: Uncertain significance (7). Last evaluated 2023-12-05.

Conditions:
Cardiovascular phenotype. Identifiers: MedGen CN230736.
Hypertrophic cardiomyopathy 2. Also called: TNNT2-Related Familial Hypertrophic Cardiomyopathy. Identifiers: MedGen C1861864, MONDO:0007266, OMIM 115195.
Dilated cardiomyopathy 1D. Identifiers: Orphanet 154, Orphanet 54260, MedGen C1832243, MONDO:0011095, OMIM 601494.
Cardiomyopathy, familial restrictive, 3. Identifiers: Orphanet 75249, MedGen C2676271, MONDO:0012900, OMIM 612422.
Cardiomyopathy (CMYO). Also called: Cardiomyopathies. Identifiers: Orphanet 167848, MedGen C0878544, MONDO:0004994, HP:0001638. Inheritance: Various modes of inheritance.

Allele frequency attached by ClinVar (database versions not stated): TOPMed below 0.00001; gnomAD 0.00001.
gnomAD v4.1: 1 of 1,614,066 alleles (0.000062%); highest among the groups gnomAD compares: African/African-American, 0.0013%; no homozygotes.

Submissions (7):

Color Diagnostics, LLC DBA Color Health
Classification: Uncertain significance for Cardiomyopathy. Last evaluated: 2023-12-05. Review status: criteria provided, single submitter. Criteria: ACMG Guidelines, 2015. Collection method: clinical testing. Allele origin: germline.
Comment: This missense variant replaces glutamic acid with lysine at codon 107 of the TNNT2 protein. Computational prediction tools and conservation analyses suggest that this variant may have deleterious impact on the protein function. Computational splicing tools suggest that this variant may not impact RNA splicing. To our knowledge, functional assays have not been performed for this variant nor has this variant been reported in individuals affected with cardiovascular disorders in the literature. This variant has not been identified in the general population by the Genome Aggregation Database (gnomAD). Available evidence is insufficient to determine the role of this variant in disease conclusively. Therefore, this variant is classified as a Variant of Uncertain Significance.

Genome-Nilou Lab
Classification: Uncertain significance for Dilated cardiomyopathy 1D. Last evaluated: 2023-04-11. Review status: criteria provided, single submitter. Criteria: ACMG Guidelines, 2015. Collection method: clinical testing. Allele origin: germline. Affected: no.

Genome-Nilou Lab
Classification: Uncertain significance for Cardiomyopathy, familial restrictive, 3. Last evaluated: 2023-04-11. Review status: criteria provided, single submitter. Criteria: ACMG Guidelines, 2015. Collection method: clinical testing. Allele origin: germline. Affected: no.

Genome-Nilou Lab
Classification: Uncertain significance for Hypertrophic cardiomyopathy 2. Last evaluated: 2023-04-11. Review status: criteria provided, single submitter. Criteria: ACMG Guidelines, 2015. Collection method: clinical testing. Allele origin: germline. Affected: no.

Ambry Genetics
Classification: Uncertain significance for Cardiovascular phenotype. Last evaluated: 2023-03-18. Review status: criteria provided, single submitter. Criteria: Ambry Variant Classification Scheme 2023. Collection method: clinical testing. Allele origin: germline.
Comment: The p.E107K variant (also known as c.319G>A), located in coding exon 8 of the TNNT2 gene, results from a G to A substitution at nucleotide position 319. The glutamic acid at codon 107 is replaced by lysine, an amino acid with similar properties. This amino acid position is conserved. In addition, this alteration is predicted to be deleterious by in silico analysis. Since supporting evidence is limited at this time, the clinical significance of this alteration remains unclear.

GeneDx
Classification: Uncertain significance. Last evaluated: 2023-01-12. Review status: criteria provided, single submitter. Criteria: GeneDx Variant Classification Process June 2021. Collection method: clinical testing. Allele origin: germline. Affected: yes.
Comment: Not observed at significant frequency in large population cohorts (gnomAD); In silico analysis supports that this missense variant has a deleterious effect on protein structure/function; Has not been previously published as pathogenic or benign to our knowledge

Labcorp Genetics (formerly Invitae), Labcorp
Classification: Uncertain significance for Cardiomyopathy, familial restrictive, 3; Hypertrophic cardiomyopathy 2; Dilated cardiomyopathy 1D. Last evaluated: 2020-09-09. Review status: criteria provided, single submitter. Criteria: Invitae Variant Classification Sherloc (09022015). Collection method: clinical testing. Allele origin: germline.
Comment: This variant has not been reported in the literature in individuals with TNNT2-related conditions. ClinVar contains an entry for this variant (Variation ID: 181614). This variant is not present in population databases (ExAC no frequency). This sequence change replaces glutamic acid with lysine at codon 107 of the TNNT2 protein (p.Glu107Lys). The glutamic acid residue is highly conserved and there is a small physicochemical difference between glutamic acid and lysine. In summary, the available evidence is currently insufficient to determine the role of this variant in disease. Therefore, it has been classified as a Variant of Uncertain Significance. Algorithms developed to predict the effect of missense changes on protein structure and function are either unavailable or do not agree on the potential impact of this missense change (SIFT: "Deleterious"; PolyPhen-2: "Possibly Damaging"; Align-GVGD: "Class C0").